The following is an entry in ClinVar:

NM_000179.3(MSH6):c.3687T>G (p.Asn1229Lys)

Gene: MSH6 (mutS homolog 6; plus strand). Cytogenetic location: 2p16.3.
Variant type: single nucleotide variant.
Coding change: c.3687T>G on transcript NM_000179.3 (MANE Select); coding-DNA position 3687, T replaced by G.
Protein change: p.Asn1229Lys; replaces asparagine 1229 with lysine.
Molecular consequence: missense variant.
Genome position (GRCh38, 1-based): chr2:47,806,244, T>G. VCF-style: chr2-47806244-T-G. GRCh37 (hg19) VCF-style: chr2-48033383-T-G.
Other names: c.3297T>G, p.Asn1099Lys (NM_001281492.2); c.2781T>G, p.Asn927Lys (NM_001281493.2, NM_001281494.2, NM_001406811.1 and 6 more transcripts); c.3783T>G, p.Asn1261Lys (NM_001406795.1, NM_001406802.1); c.3687T>G, p.Asn1229Lys (NM_001406796.1, NM_001406808.1, NM_001406809.1 and 1 more transcripts); c.3162T>G, p.Asn1054Lys (NM_001406807.1, NM_001406799.1, NM_001406806.1); c.3693T>G, p.Asn1231Lys (NM_001406813.1); c.3390T>G, p.Asn1130Lys (NM_001406827.1, NM_001406828.1, NM_001406830.1 and 10 more transcripts); c.468T>G, p.Asn156Lys (NM_001406831.1); and 7 more; short protein forms N1171K, N707K, N927K, N1054K, N1099K, N1130K, N1229K, N156K.
Identifiers: ClinVar variation 1733934 (VCV001733934.7), dbSNP rs2104538967, ClinGen allele CA346760933.

ClinVar aggregate classification (germline): Uncertain significance. Review status: criteria provided, multiple submitters, no conflicts (2 of 4 stars). 4 submissions from 4 submitters: Uncertain significance (4). Last evaluated 2025-08-22.

Conditions:
Hereditary nonpolyposis colorectal neoplasms. Identifiers: MedGen C0009405, MeSH D003123.
Hereditary cancer-predisposing syndrome. Also called: Neoplastic Syndromes, Hereditary; Tumor predisposition; Hereditary Cancer Syndrome; Hereditary neoplastic syndrome. Identifiers: Orphanet 140162, MedGen C0027672, MeSH D009386, MONDO:0015356.
Endometrial carcinoma. Also called: Endometrial carcinoma, somatic. Identifiers: MedGen C0476089, MONDO:0002447, OMIM 608089, HP:0012114.

Submissions (4):

Color Diagnostics, LLC DBA Color Health
Classification: Uncertain significance for Hereditary cancer-predisposing syndrome. Last evaluated: 2025-08-22. Review status: criteria provided, single submitter. Criteria: ACMG Guidelines, 2015. Collection method: clinical testing. Allele origin: germline.
Comment: This missense variant replaces asparagine with lysine at codon 1229 of the MSH6 protein. Computational prediction suggests that this variant may not impact protein structure and function. To our knowledge, functional studies have not been reported for this variant. This variant has not been reported in individuals affected with MSH6-related disorders in the literature. This variant has not been identified in the general population by the Genome Aggregation Database (gnomAD). The available evidence is insufficient to determine the role of this variant in disease conclusively. Therefore, this variant is classified as a Variant of Uncertain Significance.

Ambry Genetics
Classification: Uncertain significance for Hereditary cancer-predisposing syndrome. Last evaluated: 2024-09-25. Review status: criteria provided, single submitter. Criteria: Ambry Variant Classification Scheme 2023. Collection method: clinical testing. Allele origin: germline.
Comment: The p.N1229K variant (also known as c.3687T>G), located in coding exon 8 of the MSH6 gene, results from a T to G substitution at nucleotide position 3687. The asparagine at codon 1229 is replaced by lysine, an amino acid with similar properties. This amino acid position is not well conserved in available vertebrate species. In addition, this alteration is predicted to be tolerated by in silico analysis. Based on the available evidence, the clinical significance of this variant remains unclear.

Baylor Genetics
Classification: Uncertain significance for Endometrial carcinoma. Last evaluated: 2023-10-08. Review status: criteria provided, single submitter. Criteria: ACMG Guidelines, 2015. Collection method: clinical testing. Allele origin: unknown.

Labcorp Genetics (formerly Invitae), Labcorp
Classification: Uncertain significance for Hereditary nonpolyposis colorectal neoplasms. Last evaluated: 2023-07-12. Review status: criteria provided, single submitter. Criteria: Invitae Variant Classification Sherloc (09022015). Collection method: clinical testing. Allele origin: germline.
Comment: This sequence change replaces asparagine, which is neutral and polar, with lysine, which is basic and polar, at codon 1229 of the MSH6 protein (p.Asn1229Lys). In summary, the available evidence is currently insufficient to determine the role of this variant in disease. Therefore, it has been classified as a Variant of Uncertain Significance. Advanced modeling of protein sequence and biophysical properties (such as structural, functional, and spatial information, amino acid conservation, physicochemical variation, residue mobility, and thermodynamic stability) performed at Invitae indicates that this missense variant is not expected to disrupt MSH6 protein function. ClinVar contains an entry for this variant (Variation ID: 1733934). This variant has not been reported in the literature in individuals affected with MSH6-related conditions. This variant is not present in population databases (gnomAD no frequency).